The following is an entry in ClinVar:

NM_000203.5(IDUA):c.1026del (p.Tyr343fs)

Gene: IDUA (alpha-L-iduronidase; plus strand). Cytogenetic location: 4p16.3.
Variant type: Deletion.
Coding change: c.1026del on transcript NM_000203.5 (MANE Select); coding-DNA position 1026, one base deleted (C; older notation c.1026delC).
Protein change: p.Tyr343fs; shifts the reading frame from tyrosine 343.
Molecular consequence: frameshift variant. On other transcripts: non-coding transcript variant (1).
Genome position (GRCh38, 1-based): chr4:1,002,322, C deleted; the last of 4 consecutive C bases (chr4:1,002,319-1,002,322); deleting any one gives the same sequence. VCF-style (leftmost placement, unchanged base first): chr4-1002318-TC-T. GRCh37 (hg19) VCF-style: chr4-996106-TC-T.
Other names: NM_001363576.1:c.630del; c.630del, p.Tyr211fs (NM_001363576.1); short protein forms Y343fs, Y211fs.
Identifiers: ClinVar variation 3544354 (VCV003544354.1).

ClinVar aggregate classification (germline): Likely pathogenic (3 of 4 stars; one submission).

Conditions:
Mucopolysaccharidosis type 1. Also called: IDUA deficiency; MPS I. Identifiers: Orphanet 579, MedGen C0023786, MONDO:0001586.

Submission:

ClinGen Lysosomal Storage Disorder Variant Curation Expert Panel
Classification: Likely pathogenic for Mucopolysaccharidosis type 1. Last evaluated: 2024-12-06. Review status: reviewed by expert panel. Criteria: ClinGen LSD ACMG Specifications IDUA V1.0.0. Collection method: curation. Allele origin: germline. Inheritance: Autosomal recessive inheritance.
Comment: The NM_000203.5:c.1026del (p.Tyr343ThrfsTer4) variant in IDUA is a frameshift variant predicted to cause a premature stop codon in biologically-relevant-exon 8 (IDUA has 14 exons), leading to nonsense mediated decay in a gene in which loss-of-function is an established disease mechanism (PVS1). This variant is absent in gnomAD v4.1.0 (PM2_Supporting). To our knowledge, this variant has not been reported in the literature in any individuals with mucopolysaccharidosis type 1. The classification of this variant has been upgraded from Variant of Uncertain Significance to Likely Pathogenic based on the recommendations of the ClinGen Sequence Variant Interpretation Working Group, that a variant meeting PVS1 and PM2_Supporting is classified as Likely Pathogenic. In summary, this variant meets the criteria to be classified as likely pathogenic for mucopolysaccharidosis type 1. IDUA-specific ACMG/AMP criteria met, as specified by the ClinGen Lysosomal Diseases VCEP (Specifications Version 1.0.0): PVS1, PM2_Supporting. (Classification approved by the ClinGen Lysosomal Diseases Variant Curation Expert Panel on December 6, 2024)